The following is an entry in ClinVar:

NM_020812.4(DOCK6):c.3190_3191del (p.Leu1064fs)

Gene: DOCK6 (dedicator of cytokinesis 6; minus strand). Cytogenetic location: 19p13.2.
Variant type: Deletion.
Coding change: c.3190_3191del on transcript NM_020812.4 (MANE Select); coding-DNA positions 3190 to 3191, 2 bases deleted (CT; older notation c.3190_3191delCT).
Protein change: p.Leu1064fs; shifts the reading frame from leucine 1064.
Molecular consequence: frameshift variant.
Genome position (GRCh38, 1-based): chr19:11,222,784-11,222,785, AG deleted on the plus strand (CT on the coding strand, the reverse complement: DOCK6 is on the minus strand). VCF-style (leftmost placement, unchanged base first): chr19-11222783-CAG-C. GRCh37 (hg19) VCF-style: chr19-11333459-CAG-C.
Other names: c.3190_3191delCT (NM_020812.3, NM_020812.4); c.3295_3296del, p.Leu1099fs (NM_001367830.1); short protein forms L1064fs, L1099fs.
Identifiers: ClinVar variation 1206321 (VCV001206321.21), dbSNP rs747575528, ClinGen allele CA9207335.

ClinVar aggregate classification (germline): Pathogenic. Review status: criteria provided, multiple submitters, no conflicts (2 of 4 stars). 10 submissions from 10 submitters: Pathogenic (8). 2 of the submissions do not count toward it. Last evaluated 2025-12-26.

Conditions:
Renal carnitine transport defect (CDSP). Also called: Systemic primary carnitine deficiency disease; CARNITINE DEFICIENCY, SYSTEMIC, DUE TO DEFECT IN RENAL REABSORPTION OF CARNITINE; CARNITINE TRANSPORTER, PLASMA-MEMBRANE, DEFICIENCY OF; CARNITINE UPTAKE DEFECT; Systemic primary carnitine deficiency; Carnitine transporter deficiency. Identifiers: Orphanet 158, MedGen C0342788, MONDO:0008919, OMIM 212140.
DOCK6-related disorders.
DOCK6-related disorder. Also called: DOCK6-related condition.
Adams-Oliver syndrome 2 (AOS2). Identifiers: Orphanet 974, MedGen C3280182, MONDO:0013635, OMIM 614219.

Allele frequency attached by ClinVar (database versions not stated): gnomAD exomes 0.00007; gnomAD 0.00010 and 0.00011; TOPMed 0.00012; ESP Exome Variant Server 0.00016; ExAC 0.00018.

Submissions (10):

Labcorp Genetics (formerly Invitae), Labcorp
Classification: Pathogenic. Last evaluated: 2025-12-26. Review status: criteria provided, single submitter. Criteria: Invitae Variant Classification Sherloc (09022015). Collection method: clinical testing. Allele origin: germline.
Comment: This sequence change creates a premature translational stop signal (p.Leu1064Valfs*60) in the DOCK6 gene. It is expected to result in an absent or disrupted protein product. Loss-of-function variants in DOCK6 are known to be pathogenic (PMID: 21820096, 25824905). This variant is present in population databases (rs747575528, gnomAD 0.03%). This premature translational stop signal has been observed in individual(s) with Adams-Oliver syndrome (PMID: 25091416). ClinVar contains an entry for this variant (Variation ID: 1206321). For these reasons, this variant has been classified as Pathogenic.

PreventionGenetics, part of Exact Sciences
Classification: Pathogenic for DOCK6-related condition. Last evaluated: 2025-12-05. Review status: criteria provided, single submitter. Criteria: ACMG Guidelines, 2015. Collection method: clinical testing. Allele origin: germline.
Comment: The DOCK6 c.3190_3191delCT variant is predicted to result in a frameshift and premature protein termination (p.Leu1064Valfs*60). This variant was reported in the homozygous and compound heterozygous states in three unrelated patients with Adams-Oliver syndrome (Lehman et al. 2014. PubMed ID: 25091416; Dudoignon et al. 2019. PubMed ID: 31654484; Tao et al. 2021. PubMed ID: 33655927). This variant is reported in 0.024% of alleles in individuals of East Asian descent in gnomAD. Frameshift variants in DOCK6 are expected to be pathogenic. This variant is interpreted as pathogenic.

First Genomix Gene Laboratory, Genetic Diagnostics Department
Classification: Pathogenic for Renal carnitine transport defect. Last evaluated: 2025-07-14. Review status: criteria provided, single submitter. Criteria: ACMG Guidelines, 2015. Collection method: clinical testing. Allele origin: germline. Inheritance: Autosomal recessive inheritance. Affected: no. Observed: 1 variant allele.

GeneDx
Classification: Pathogenic. Last evaluated: 2023-10-11. Review status: criteria provided, single submitter. Criteria: GeneDx Variant Classification Process June 2021. Collection method: clinical testing. Allele origin: germline. Affected: yes.
Comment: Frameshift variant predicted to result in protein truncation or nonsense mediated decay in a gene for which loss of function is a known mechanism of disease; This variant is associated with the following publications: (PMID: 34426522, Liu2022[paper], 25091416, 31654484, 33655927)

Blueprint Genetics
Classification: Pathogenic for DOCK6-related disorders. Last evaluated: 2023-04-19. Review status: criteria provided, single submitter. Criteria: ACMG Guidelines, 2015. Collection method: clinical testing. Allele origin: germline. Affected: yes. Observed: 5 variant alleles.

Revvity Omics, Revvity
Classification: Pathogenic for Adams-Oliver syndrome 2. Last evaluated: 2022-07-30. Review status: criteria provided, single submitter. Criteria: ACMG Guidelines, 2015. Collection method: clinical testing. Allele origin: germline.

3billion
Classification: Pathogenic for Adams-Oliver syndrome 2. Review status: criteria provided, single submitter. Criteria: ACMG Guidelines, 2015. Collection method: clinical testing. Allele origin: unknown. Affected: yes. Observed: 1 heterozygote.
Comment: The variant is observed at an extremely low frequency in the gnomAD v2.1.1 dataset (total allele frequency: 0.007%). The variant is predicted to result in a loss or disruption of normal protein function through nonsense-mediated decay (NMD) or protein truncation. Multiple pathogenic variants are reported downstream of the variant. The variant has been reported at least twice as pathogenic without evidence for the classification (ClinVar ID: VCV001206321 / PMID: 25091416). Therefore, this variant is classified as Pathogenic according to the recommendation of ACMG/AMP guideline.

Juno Genomics, Hangzhou Juno Genomics, Inc
Classification: Pathogenic for Adams-Oliver syndrome 2. Review status: criteria provided, single submitter. Criteria: ACMG Guidelines, 2015. Collection method: clinical testing. Allele origin: germline.
Comment: Absent from controls (or at extremely low frequency if recessive) in Genome Aggregation Database.;Null variant in a gene where loss of function (LOF) is a known mechanism of disease.;For recessive disorders, detected in trans with a pathogenic variant.

Clinical Genetics, Academic Medical Center
Classification: Pathogenic. Review status: no assertion criteria provided. Collection method: clinical testing. Allele origin: germline. Affected: yes. Study: VKGL Data-share Consensus. Not counted in ClinVar's aggregate classification.

Laboratory of Diagnostic Genome Analysis, Leiden University Medical Center (LUMC)
Classification: Pathogenic. Review status: no assertion criteria provided. Collection method: clinical testing. Allele origin: germline. Affected: yes. Study: VKGL Data-share Consensus. Not counted in ClinVar's aggregate classification.

Literature cited by the submitters: PubMed 21820096 (cited by Labcorp Genetics (formerly Invitae), Labcorp); PubMed 25824905 (cited by Labcorp Genetics (formerly Invitae), Labcorp); PubMed 25091416 (cited by Labcorp Genetics (formerly Invitae), Labcorp and 3billion).